The following is an entry in ClinVar:

ClinVar aggregate classification (germline): Uncertain significance. Review status: criteria provided, multiple submitters, no conflicts (2 of 4 stars). 2 submissions from 2 submitters: Uncertain significance (2). Last evaluated 2022-08-12.

Conditions:
Encephalopathy, acute, infection-induced (herpes-specific), susceptibility to, 6. Also called: Herpes simplex encephalitis, susceptibility to, 4. Identifiers: Orphanet 1930, MedGen C3553869, MONDO:0013921, OMIM 614850.

Allele frequency attached by ClinVar (database versions not stated): gnomAD 0.00016 and 0.00014; ExAC 0.00003; TOPMed 0.00014; gnomAD exomes 0.00001 and 0.00002; ESP Exome Variant Server 0.00008.
gnomAD v4.1: 38 of 1,608,084 alleles (0.0024%); highest among the groups gnomAD compares: African/African-American, 0.043%; no homozygotes.

Submissions (2):

Labcorp Genetics (formerly Invitae), Labcorp
Classification: Uncertain significance for Encephalopathy, acute, infection-induced (herpes-specific), susceptibility to, 6. Last evaluated: 2022-08-12. Review status: criteria provided, single submitter. Criteria: Invitae Variant Classification Sherloc (09022015). Collection method: clinical testing. Allele origin: germline.
Comment: This sequence change replaces proline, which is neutral and non-polar, with glutamine, which is neutral and polar, at codon 90 of the TICAM1 protein (p.Pro90Gln). This variant is present in population databases (rs141687483, gnomAD 0.05%). This variant has not been reported in the literature in individuals affected with TICAM1-related conditions. ClinVar contains an entry for this variant (Variation ID: 473293). Algorithms developed to predict the effect of missense changes on protein structure and function (SIFT, PolyPhen-2, Align-GVGD) all suggest that this variant is likely to be tolerated. In summary, the available evidence is currently insufficient to determine the role of this variant in disease. Therefore, it has been classified as a Variant of Uncertain Significance.

Ambry Genetics
Classification: Uncertain significance. Last evaluated: 2021-08-02. Review status: criteria provided, single submitter. Criteria: Ambry Variant Classification Scheme 2023. Collection method: clinical testing. Allele origin: germline.

NM_182919.4(TICAM1):c.269C>A (p.Pro90Gln)

Gene: TICAM1 (TIR domain containing adaptor molecule 1; minus strand). Cytogenetic location: 19p13.3.
Variant type: single nucleotide variant.
Coding change: c.269C>A on transcript NM_182919.4 (MANE Select); coding-DNA position 269, C replaced by A.
Protein change: p.Pro90Gln; replaces proline 90 with glutamine.
Molecular consequence: missense variant. On other transcripts: intron variant (1).
Genome position (GRCh38, 1-based): chr19:4,818,109, G>T on the plus strand (C>A on the coding strand, the complement: TICAM1 is on the minus strand). VCF-style: chr19-4818109-G-T. GRCh37 (hg19) VCF-style: chr19-4818121-G-T.
Other names: c.227C>A, p.Pro76Gln (NM_001385678.1); c.134C>A, p.Pro45Gln (NM_001385679.1); c.-72+275C>A (NM_001385680.1); c.269C>A (NM_182919.2); short protein forms P90Q, P45Q, P76Q.
Identifiers: ClinVar variation 473293 (VCV000473293.5), dbSNP rs141687483, ClinGen allele CA9105390.